The following is an entry in ClinVar:

NM_004136.4(IREB2):c.733A>G (p.Ile245Val)

Gene: IREB2 (iron responsive element binding protein 2; plus strand). Cytogenetic location: 15q25.1.
Variant type: single nucleotide variant.
Coding change: c.733A>G on transcript NM_004136.4 (MANE Select); coding-DNA position 733, A replaced by G.
Protein change: p.Ile245Val; replaces isoleucine 245 with valine.
Molecular consequence: missense variant. On other transcripts: 5 prime UTR variant (1).
Genome position (GRCh38, 1-based): chr15:78,471,774, A>G. VCF-style: chr15-78471774-A-G. GRCh37 (hg19) VCF-style: chr15-78764116-A-G.
Other names: c.-18A>G (NM_001320941.2); c.562A>G, p.Ile188Val (NM_001320942.2, NM_001354994.2); c.733A>G, p.Ile245Val (NM_001320943.2); short protein forms I188V, I245V.
Identifiers: ClinVar variation 2077748 (VCV002077748.4), dbSNP rs191113858, ClinGen allele CA7682790.

ClinVar aggregate classification (germline): Uncertain significance (1 of 4 stars; one submission).

Allele frequency attached by ClinVar (database versions not stated): 1000 Genomes Project 30x 0.00016; 1000 Genomes Project 0.00020; gnomAD 0.00001; TOPMed 0.00001.
gnomAD v4.1: 8 of 1,610,992 alleles (0.0005%); highest among the groups gnomAD compares: Admixed American, 0.013%; no homozygotes.

Submission:

Labcorp Genetics (formerly Invitae), Labcorp
Classification: Uncertain significance. Last evaluated: 2022-02-13. Review status: criteria provided, single submitter. Criteria: Invitae Variant Classification Sherloc (09022015). Collection method: clinical testing. Allele origin: germline.
Comment: This variant is present in population databases (rs191113858, gnomAD 0.02%). This sequence change replaces isoleucine, which is neutral and non-polar, with valine, which is neutral and non-polar, at codon 245 of the IREB2 protein (p.Ile245Val). This variant has not been reported in the literature in individuals affected with IREB2-related conditions. Algorithms developed to predict the effect of missense changes on protein structure and function output the following: SIFT: "Not Available"; PolyPhen-2: "Benign"; Align-GVGD: "Not Available". The valine amino acid residue is found in multiple mammalian species, which suggests that this missense change does not adversely affect protein function. In summary, the available evidence is currently insufficient to determine the role of this variant in disease. Therefore, it has been classified as a Variant of Uncertain Significance.